The following is an entry in ClinVar:

NM_005529.7(HSPG2):c.6439G>C (p.Val2147Leu)

Gene: HSPG2 (heparan sulfate proteoglycan 2; minus strand). Cytogenetic location: 1p36.12.
Variant type: single nucleotide variant.
Coding change: c.6439G>C on transcript NM_005529.7 (MANE Select); coding-DNA position 6439, G replaced by C.
Protein change: p.Val2147Leu; replaces valine 2147 with leucine.
Molecular consequence: missense variant.
Genome position (GRCh38, 1-based): chr1:21,854,193, C>G on the plus strand (G>C on the coding strand, the complement: HSPG2 is on the minus strand). VCF-style: chr1-21854193-C-G. GRCh37 (hg19) VCF-style: chr1-22180686-C-G.
Other names: c.6442G>C, p.Val2148Leu (NM_001291860.2); short protein forms V2147L, V2148L.
Identifiers: ClinVar variation 3776600 (VCV003776600.1).

ClinVar aggregate classification (germline): Uncertain significance (1 of 4 stars; one submission).

gnomAD v4.1: 13 of 1,585,860 alleles (0.00082%); highest among the groups gnomAD compares: Non-Finnish European, 0.0011%; no homozygotes.

Submission:

GeneDx
Classification: Uncertain significance. Last evaluated: 2024-10-04. Review status: criteria provided, single submitter. Criteria: GeneDx Variant Classification Process June 2021. Collection method: clinical testing. Allele origin: germline. Affected: yes.
Comment: In silico analysis suggests that this missense variant does not alter protein structure/function, but splice predictors indicate that the variant may lead to abnormal gene splicing; Has not been previously published as pathogenic or benign to our knowledge